The following is an entry in ClinVar:

ClinVar aggregate classification (germline): Uncertain significance. Review status: criteria provided, multiple submitters, no conflicts (2 of 4 stars). 2 submissions from 2 submitters: Uncertain significance (2). Last evaluated 2025-08-14.

Allele frequency attached by ClinVar (database versions not stated): gnomAD exomes below 0.00001 and 0.00001; ExAC 0.00001.
gnomAD v4.1: 3 of 1,495,302 alleles (0.0002%); highest among the groups gnomAD compares: Non-Finnish European, 0.00027%; no homozygotes.

Submissions (2):

Labcorp Genetics (formerly Invitae), Labcorp
Classification: Uncertain significance. Last evaluated: 2025-08-14. Review status: criteria provided, single submitter. Criteria: Invitae Variant Classification Sherloc (09022015). Collection method: clinical testing. Allele origin: germline.
Comment: This sequence change replaces arginine, which is basic and polar, with cysteine, which is neutral and slightly polar, at codon 563 of the RELB protein (p.Arg563Cys). The frequency data for this variant in the population databases is considered unreliable, as metrics indicate poor data quality at this position in the gnomAD database. This variant has not been reported in the literature in individuals affected with RELB-related conditions. ClinVar contains an entry for this variant (Variation ID: 1352075). An algorithm developed to predict the effect of missense changes on protein structure and function (PolyPhen-2) suggests that this variant is likely to be disruptive. In summary, the available evidence is currently insufficient to determine the role of this variant in disease. Therefore, it has been classified as a Variant of Uncertain Significance.

Ambry Genetics
Classification: Uncertain significance. Last evaluated: 2025-05-29. Review status: criteria provided, single submitter. Criteria: Ambry Variant Classification Scheme 2023. Collection method: clinical testing. Allele origin: germline.

NM_006509.4(RELB):c.1687C>T (p.Arg563Cys)

Gene: RELB (RELB proto-oncogene, NF-kB subunit; plus strand). Cytogenetic location: 19q13.32.
Variant type: single nucleotide variant.
Coding change: c.1687C>T on transcript NM_006509.4 (MANE Select); coding-DNA position 1687, C replaced by T.
Protein change: p.Arg563Cys; replaces arginine 563 with cysteine.
Molecular consequence: missense variant.
Genome position (GRCh38, 1-based): chr19:45,037,737, C>T. VCF-style: chr19-45037737-C-T. GRCh37 (hg19) VCF-style: chr19-45540995-C-T.
Other names: c.1687C>T (NM_006509.3); short protein forms R563C.
Identifiers: ClinVar variation 1352075 (VCV001352075.9), dbSNP rs770578374, ClinGen allele CA9507932.